The following is an entry in ClinVar:

NM_001378452.1(ITPR1):c.8141T>C (p.Met2714Thr)

Gene: ITPR1 (inositol 1,4,5-trisphosphate receptor type 1; plus strand). Cytogenetic location: 3p26.1.
Variant type: single nucleotide variant.
Coding change: c.8141T>C on transcript NM_001378452.1 (MANE Select); coding-DNA position 8141, T replaced by C.
Protein change: p.Met2714Thr; replaces methionine 2714 with threonine.
Molecular consequence: missense variant.
Genome position (GRCh38, 1-based): chr3:4,836,886, T>C. VCF-style: chr3-4836886-T-C. GRCh37 (hg19) VCF-style: chr3-4878570-T-C.
Other names: c.7997T>C, p.Met2666Thr (NM_001099952.4); c.8096T>C, p.Met2699Thr (NM_001168272.2); c.7952T>C, p.Met2651Thr (NM_002222.7); short protein forms M2666T, M2651T, M2699T, M2714T.
Identifiers: ClinVar variation 2847599 (VCV002847599.3), dbSNP rs2470267360, ClinGen allele CA351793807.

ClinVar aggregate classification (germline): Uncertain significance (1 of 4 stars; one submission).

Allele frequency attached by ClinVar (database versions not stated): gnomAD exomes below 0.00001.
gnomAD v4.1: 1 of 1,598,236 alleles (0.000063%); highest among the groups gnomAD compares: African/African-American, 0.0013%; no homozygotes.

Submission:

Labcorp Genetics (formerly Invitae), Labcorp
Classification: Uncertain significance. Last evaluated: 2023-06-06. Review status: criteria provided, single submitter. Criteria: Invitae Variant Classification Sherloc (09022015). Collection method: clinical testing. Allele origin: germline.
Comment: This variant has not been reported in the literature in individuals affected with ITPR1-related conditions. This sequence change replaces methionine, which is neutral and non-polar, with threonine, which is neutral and polar, at codon 2651 of the ITPR1 protein (p.Met2651Thr). This variant is not present in population databases (gnomAD no frequency). Advanced modeling of protein sequence and biophysical properties (such as structural, functional, and spatial information, amino acid conservation, physicochemical variation, residue mobility, and thermodynamic stability) performed at Invitae indicates that this missense variant is not expected to disrupt ITPR1 protein function. In summary, the available evidence is currently insufficient to determine the role of this variant in disease. Therefore, it has been classified as a Variant of Uncertain Significance.